The following is an entry in ClinVar:

ClinVar aggregate classification (germline): Uncertain significance. Review status: criteria provided, multiple submitters, no conflicts (2 of 4 stars). 3 submissions from 3 submitters: Uncertain significance (3). Last evaluated 2023-06-23.

Conditions:
ALG1-congenital disorder of glycosylation. Also called: CDG Ik; CONGENITAL DISORDER OF GLYCOSYLATION, TYPE Ik; ALG1-CDG. Identifiers: Orphanet 79327, MedGen C2931005, MONDO:0012052, OMIM 608540.

Allele frequency attached by ClinVar (database versions not stated): gnomAD 0.00002 and 0.00003; ESP Exome Variant Server 0.00008.
gnomAD v4.1: 33 of 1,611,952 alleles (0.002%); highest among the groups gnomAD compares: South Asian, 0.0033%; no homozygotes.

Submissions (3):

Mayo Clinic Laboratories, Mayo Clinic
Classification: Uncertain significance. Last evaluated: 2023-06-23. Review status: criteria provided, single submitter. Criteria: ACMG Guidelines, 2015. Collection method: clinical testing. Allele origin: germline. Observed: 2 variant alleles.
Comment: BP4

Labcorp Genetics (formerly Invitae), Labcorp
Classification: Uncertain significance for ALG1-congenital disorder of glycosylation. Last evaluated: 2022-07-15. Review status: criteria provided, single submitter. Criteria: Invitae Variant Classification Sherloc (09022015). Collection method: clinical testing. Allele origin: germline.
Comment: This sequence change replaces arginine, which is basic and polar, with cysteine, which is neutral and slightly polar, at codon 274 of the ALG1 protein (p.Arg274Cys). This variant is present in population databases (rs201867255, gnomAD 0.01%). This variant has not been reported in the literature in individuals affected with ALG1-related conditions. ClinVar contains an entry for this variant (Variation ID: 1490456). Advanced modeling of protein sequence and biophysical properties (such as structural, functional, and spatial information, amino acid conservation, physicochemical variation, residue mobility, and thermodynamic stability) performed at Invitae indicates that this missense variant is not expected to disrupt ALG1 protein function. In summary, the available evidence is currently insufficient to determine the role of this variant in disease. Therefore, it has been classified as a Variant of Uncertain Significance.

Fulgent Genetics
Classification: Uncertain significance for ALG1-congenital disorder of glycosylation. Last evaluated: 2022-03-30. Review status: criteria provided, single submitter. Criteria: ACMG Guidelines, 2015. Collection method: clinical testing. Allele origin: unknown.

NM_019109.5(ALG1):c.820C>T (p.Arg274Cys)

Gene: ALG1 (ALG1 chitobiosyldiphosphodolichol beta-mannosyltransferase; plus strand). Cytogenetic location: 16p13.3.
Variant type: single nucleotide variant.
Coding change: c.820C>T on transcript NM_019109.5 (MANE Select); coding-DNA position 820, C replaced by T.
Protein change: p.Arg274Cys; replaces arginine 274 with cysteine.
Molecular consequence: missense variant.
Genome position (GRCh38, 1-based): chr16:5,078,836, C>T. VCF-style: chr16-5078836-C-T. GRCh37 (hg19) VCF-style: chr16-5128837-C-T.
Other names: p.Arg274Cys; c.487C>T, p.Arg163Cys (NM_001330504.2); short protein forms R274C, R163C.
Identifiers: ClinVar variation 1490456 (VCV001490456.5), dbSNP rs201867255, ClinGen allele CA7890034.